The following is an entry in ClinVar:

ClinVar aggregate classification (germline): Pathogenic. Review status: criteria provided, multiple submitters, no conflicts (2 of 4 stars). 8 submissions from 8 submitters: Pathogenic (7). 1 of the submissions does not count toward it. Last evaluated 2025-03-26.

Conditions:
Becker muscular dystrophy, Cardiomyopathy, Duchenne muscular dystrophy, Dystrophin deficiency.
DMD-related disorder. Also called: DMD-related condition.
Progressive muscular dystrophy. Identifiers: Orphanet 206644, MedGen C4551827, MONDO:0016106.
Duchenne muscular dystrophy (DMD). Also called: MUSCULAR DYSTROPHY, PSEUDOHYPERTROPHIC PROGRESSIVE, DUCHENNE TYPE; Duchenne Muscular Dystrophy (DMD). Identifiers: Orphanet 98896, MedGen C0013264, MONDO:0010679, OMIM 310200.

Allele frequency attached by ClinVar (database versions not stated): gnomAD exomes below 0.00001.
gnomAD v4.1: 1 of 1,200,192 alleles (0.000083%); highest among the groups gnomAD compares: Non-Finnish European, 0.00011%; no homozygotes.

Submissions (9):

Myriad Genetics, Inc.
Classification: Pathogenic for Progressive muscular dystrophy. Last evaluated: 2025-03-26. Review status: criteria provided, single submitter. Criteria: Myriad Autosomal Dominant, Autosomal Recessive and X-Linked Classification Criteria (2023). Collection method: clinical testing. Allele origin: unknown.
Comment: NM_004006.2(DMD):c.2302C>T(R768*) is a nonsense variant classified as pathogenic in the context of dystrophinopathy (including Duchenne/Becker muscular dystrophy). R768* has been observed in cases with relevant disease (PMID: 32559196). Relevant functional assessments of this variant are not available in the literature. R768* has not been observed in referenced population frequency databases. In summary, NM_004006.2(DMD):c.2302C>T(R768*) is a nonsense variant in a gene where loss of function is a known mechanism of disease, is predicted to disrupt protein function, and has been observed more frequently in cases with the relevant disease than in healthy populations. Please note: this variant was assessed in the context of healthy population screening.

Labcorp Genetics (formerly Invitae), Labcorp
Classification: Pathogenic for Duchenne muscular dystrophy. Last evaluated: 2024-08-09. Review status: criteria provided, single submitter. Criteria: Invitae Variant Classification Sherloc (09022015). Collection method: clinical testing. Allele origin: germline.
Comment: This sequence change creates a premature translational stop signal (p.Arg768*) in the DMD gene. It is expected to result in an absent or disrupted protein product. Loss-of-function variants in DMD are known to be pathogenic (PMID: 16770791, 25007885). This variant is not present in population databases (gnomAD no frequency). This premature translational stop signal has been observed in individual(s) with Duchenne muscular dystrophy (PMID: 8499922, 32559196). This variant is also known as 2510C>T. ClinVar contains an entry for this variant (Variation ID: 11222). For these reasons, this variant has been classified as Pathogenic.

Natera, Inc.
Classification: Pathogenic for Becker muscular dystrophy, Cardiomyopathy, Duchenne muscular dystrophy, Dystrophin deficiency. Last evaluated: 2024-06-13. Review status: criteria provided, single submitter. Criteria: Natera Variant Classification Schema (03/2026). Collection method: clinical testing. Allele origin: germline.
Comment: The c.2302C>T variant in DMD is a nonsense variant predicted to introduce a stop codon at amino acid 768. This variant is expected to result in nonsense mediated decay, truncation, or a dysfunctional protein product. This variant is rare in the general population with a frequency below the threshold expected for the associated phenotype(s). This variant has been observed in affected individual(s) with monoallelic occurrence (heterozygous/hemizygous) (PMID: 33773883, 17259292, 23453023, 20485447). Given the available evidence, this variant is classified as Pathogenic.

Blueprint Genetics
Classification: Pathogenic for DMD-related disorders. Last evaluated: 2023-11-06. Review status: criteria provided, single submitter. Criteria: ACMG Guidelines, 2015. Collection method: clinical testing. Allele origin: germline. Affected: yes. Observed: 1 variant allele.

Mendelics
Classification: Pathogenic for Duchenne muscular dystrophy. Last evaluated: 2019-05-28. Review status: criteria provided, single submitter. Criteria: Mendelics Assertion Criteria 2017. Collection method: clinical testing. Allele origin: unknown.

Eurofins Ntd Llc (ga)
Classification: Pathogenic. Last evaluated: 2017-08-15. Review status: criteria provided, single submitter. Criteria: EGL Classification Definitions 2015. Collection method: clinical testing. Allele origin: germline. Observed: 1 variant allele, 1 homozygote.

Kasturba Medical College, Manipal, Kasturba Medical College, Manipal, Manipal Academy of Higher Education, Manipal, India
Classification: Pathogenic for Duchenne muscular dystrophy. Review status: criteria provided, single submitter. Criteria: ACMG Guidelines, 2015. Collection method: research. Allele origin: maternal. Inheritance: X-linked recessive inheritance. Affected: yes. Observed: 1 hemizygote.
Comment: This variant is absent in homozygous/hemizygous state in the population database gnomAD (v4.1.0) and our in-house database of 3650 exomes. This variant is present in heterozygous state in one individual in gnomAD (v4.1.0) and is absent in our in-house database. This variant is predicted to introduce a premature stop codon which may either cause the transcript to undergo nonsense mediated decay or lead to formation of a truncated DMD protein.

OMIM
Classification: Pathogenic for DUCHENNE MUSCULAR DYSTROPHY. Last evaluated: 1993-03-01. Review status: no assertion criteria provided. Collection method: literature only. Allele origin: germline. Not counted in ClinVar's aggregate classification.

Dr. Peter K. Rogan Lab, Western University
No classification provided (evidence only). Condition: Nonpapillary renal cell carcinoma. Review status: no classification provided. Collection method: in vitro. Allele origin: not applicable. Functional consequence: retained intron. Not counted in ClinVar's aggregate classification.

Literature cited by the submitters: PubMed 32559196 (cited by Myriad Genetics, Inc. and Labcorp Genetics (formerly Invitae), Labcorp); PubMed 16770791 (cited by Labcorp Genetics (formerly Invitae), Labcorp); PubMed 25007885 (cited by Labcorp Genetics (formerly Invitae), Labcorp); PubMed 8499922 (cited by Labcorp Genetics (formerly Invitae), Labcorp and OMIM); PubMed 33773883 (cited by Natera, Inc.); PubMed 17259292 (cited by Natera, Inc.); PubMed 23453023 (cited by Natera, Inc.); PubMed 20485447 (cited by Natera, Inc.); PMC PMC4323212 (cited by Kasturba Medical College, Manipal, Kasturba Medical College, Manipal, Manipal Academy of Higher Education, Manipal, India).

NM_004006.3(DMD):c.2302C>T (p.Arg768Ter)

Gene: DMD (dystrophin; minus strand). Cytogenetic location: Xp21.1.
Variant type: single nucleotide variant.
Coding change: c.2302C>T on transcript NM_004006.3 (MANE Select); coding-DNA position 2302, C replaced by T.
Protein change: p.Arg768Ter; replaces arginine 768 with a stop codon.
Molecular consequence: nonsense.
Genome position (GRCh38, 1-based): chrX:32,501,833, G>A on the plus strand (C>T on the coding strand, the complement: DMD is on the minus strand). VCF-style: chrX-32501833-G-A. GRCh37 (hg19) VCF-style: chrX-32519950-G-A.
Other names: DMD, ARG768TER, C-T, NT2510; NP_003997.1:p.Arg768*; c.2278C>T, p.Arg760Ter (NM_000109.4); c.2290C>T, p.Arg764Ter (NM_004009.3); c.1933C>T, p.Arg645Ter (NM_004010.3); short protein forms R768*, R760*, R764*, R645*.
Identifiers: ClinVar variation 11222 (VCV000011222.21), dbSNP rs201366610, ClinGen allele CA273097.